The following is an entry in ClinVar:

NM_000452.3(SLC10A2):c.236T>A (p.Met79Lys)

Gene: SLC10A2 (solute carrier family 10 member 2; minus strand). Cytogenetic location: 13q33.1.
Variant type: single nucleotide variant.
Coding change: c.236T>A on transcript NM_000452.3 (MANE Select); coding-DNA position 236, T replaced by A.
Protein change: p.Met79Lys; replaces methionine 79 with lysine.
Molecular consequence: missense variant.
Genome position (GRCh38, 1-based): chr13:103,066,014, A>T on the plus strand (T>A on the coding strand, the complement: SLC10A2 is on the minus strand). VCF-style: chr13-103066014-A-T. GRCh37 (hg19) VCF-style: chr13-103718364-A-T.
Other names: short protein forms M79K.
Identifiers: ClinVar variation 2734205 (VCV002734205.3), dbSNP rs2501427193, ClinGen allele CA388609214.

ClinVar aggregate classification (germline): Uncertain significance (1 of 4 stars; one submission).

gnomAD v4.1: 1 of 1,614,022 alleles (0.000062%); no homozygotes.

Submission:

Labcorp Genetics (formerly Invitae), Labcorp
Classification: Uncertain significance. Last evaluated: 2023-06-30. Review status: criteria provided, single submitter. Criteria: Invitae Variant Classification Sherloc (09022015). Collection method: clinical testing. Allele origin: germline.
Comment: This variant has not been reported in the literature in individuals affected with SLC10A2-related conditions. In summary, the available evidence is currently insufficient to determine the role of this variant in disease. Therefore, it has been classified as a Variant of Uncertain Significance. Advanced modeling of protein sequence and biophysical properties (such as structural, functional, and spatial information, amino acid conservation, physicochemical variation, residue mobility, and thermodynamic stability) performed at Invitae indicates that this missense variant is expected to disrupt SLC10A2 protein function. This variant is not present in population databases (gnomAD no frequency). This sequence change replaces methionine, which is neutral and non-polar, with lysine, which is basic and polar, at codon 79 of the SLC10A2 protein (p.Met79Lys).